The following is an entry in ClinVar:

NM_000368.5(TSC1):c.2807A>G (p.Gln936Arg)

Gene: TSC1 (TSC complex subunit 1; minus strand). Cytogenetic location: 9q34.13.
Variant type: single nucleotide variant.
Coding change: c.2807A>G on transcript NM_000368.5 (MANE Select); coding-DNA position 2807, A replaced by G.
Protein change: p.Gln936Arg; replaces glutamine 936 with arginine.
Molecular consequence: missense variant.
Genome position (GRCh38, 1-based): chr9:132,897,429, T>C on the plus strand (A>G on the coding strand, the complement: TSC1 is on the minus strand). VCF-style: chr9-132897429-T-C. GRCh37 (hg19) VCF-style: chr9-135772816-T-C.
Other names: c.2804A>G, p.Gln935Arg (NM_001162426.2); c.2654A>G, p.Gln885Arg (NM_001162427.2); c.2444A>G, p.Gln815Arg (NM_001362177.2); short protein forms Q815R, Q885R, Q935R, Q936R.
Identifiers: ClinVar variation 1313630 (VCV001313630.8), dbSNP rs2131630505, ClinGen allele CA375369006.

ClinVar aggregate classification (germline): Uncertain significance. Review status: criteria provided, multiple submitters, no conflicts (2 of 4 stars). 3 submissions from 3 submitters: Uncertain significance (3). Last evaluated 2025-07-13.

Conditions:
Tuberous sclerosis 1 (TSC1). Identifiers: Orphanet 805, MedGen C1854465, MONDO:0008612, OMIM 191100.
Hereditary cancer-predisposing syndrome. Also called: Neoplastic Syndromes, Hereditary; Hereditary Cancer Syndrome; Tumor predisposition; Hereditary neoplastic syndrome. Identifiers: Orphanet 140162, MedGen C0027672, MeSH D009386, MONDO:0015356.

Submissions (3):

Labcorp Genetics (formerly Invitae), Labcorp
Classification: Uncertain significance for Tuberous sclerosis 1. Last evaluated: 2025-07-13. Review status: criteria provided, single submitter. Criteria: Invitae Variant Classification Sherloc (09022015). Collection method: clinical testing. Allele origin: germline.
Comment: This sequence change replaces glutamine, which is neutral and polar, with arginine, which is basic and polar, at codon 936 of the TSC1 protein (p.Gln936Arg). This variant is not present in population databases (gnomAD no frequency). This variant has not been reported in the literature in individuals affected with TSC1-related conditions. ClinVar contains an entry for this variant (Variation ID: 1313630). Invitae Evidence Modeling of protein sequence and biophysical properties (such as structural, functional, and spatial information, amino acid conservation, physicochemical variation, residue mobility, and thermodynamic stability) indicates that this missense variant is not expected to disrupt TSC1 protein function with a negative predictive value of 95%. In summary, the available evidence is currently insufficient to determine the role of this variant in disease. Therefore, it has been classified as a Variant of Uncertain Significance.

Ambry Genetics
Classification: Uncertain significance for Hereditary cancer-predisposing syndrome. Last evaluated: 2021-07-08. Review status: criteria provided, single submitter. Criteria: Ambry Variant Classification Scheme 2023. Collection method: clinical testing. Allele origin: germline.
Comment: The p.Q936R variant (also known as c.2807A>G), located in coding exon 19 of the TSC1 gene, results from an A to G substitution at nucleotide position 2807. The glutamine at codon 936 is replaced by arginine, an amino acid with highly similar properties. This amino acid position is well conserved in available vertebrate species. In addition, the in silico prediction for this alteration is inconclusive. Since supporting evidence is limited at this time, the clinical significance of this alteration remains unclear.

GeneDx
Classification: Uncertain significance. Last evaluated: 2020-10-27. Review status: criteria provided, single submitter. Criteria: GeneDx Variant Classification Process June 2021. Collection method: clinical testing. Allele origin: germline. Affected: yes.
Comment: Not observed in large population cohorts (Lek et al., 2016); In silico analysis supports that this missense variant does not alter protein structure/function; Has not been previously published as pathogenic or benign to our knowledge